The following is an entry in ClinVar:

NM_002137.4(HNRNPA2B1):c.931G>A (p.Gly311Ser)

Gene: HNRNPA2B1 (heterogeneous nuclear ribonucleoprotein A2/B1; minus strand). Cytogenetic location: 7p15.2.
Variant type: single nucleotide variant.
Coding change: c.931G>A on transcript NM_002137.4 (MANE Select); coding-DNA position 931, G replaced by A.
Protein change: p.Gly311Ser; replaces glycine 311 with serine.
Molecular consequence: missense variant.
Genome position (GRCh38, 1-based): chr7:26,193,284, C>T on the plus strand (G>A on the coding strand, the complement: HNRNPA2B1 is on the minus strand). VCF-style: chr7-26193284-C-T. GRCh37 (hg19) VCF-style: chr7-26232904-C-T.
Other names: c.967G>A, p.Gly323Ser (NM_031243.4); short protein forms G311S, G323S.
Identifiers: ClinVar variation 3895613 (VCV003895613.1).
Genomic context (GRCh38, chr7:26,193,284, plus strand): 5'-TGAATAACCTCAATTTTTATAAATTACCTCCACCATATGGTCCCCCCATGTTCCTGCTAC[C>T]ACCAAAGTTTCCACTCTTCATTGGACCGTAGTTAGAAGGTTGCTGGTTATAATTTCCAAA-3'
Protein context (NP_002128.1, residues 301-321): YGPMKSGNFG[Gly311Ser]SRNMGGPYGG

ClinVar aggregate classification (germline): Uncertain significance (1 of 4 stars; one submission).

Submission:

Women's Health and Genetics/Laboratory Corporation of America, LabCorp
Classification: Uncertain significance. Last evaluated: 2025-03-17. Review status: criteria provided, single submitter. Criteria: LabCorp Variant Classification Summary - May 2015. Collection method: clinical testing. Allele origin: germline.
Comment: Variant summary: HNRNPA2B1 c.967G>A (p.Gly323Ser) results in a non-conservative amino acid change in the encoded protein sequence. Four of five in-silico tools predict a damaging effect of the variant on protein function. The variant was absent in 251274 control chromosomes. The available data on variant occurrences in the general population are insufficient to allow any conclusion about variant significance. To our knowledge, no occurrence of c.967G>A in individuals affected with HNRNPA2B1-Related Disorders and no experimental evidence demonstrating its impact on protein function have been reported. No submitters have cited clinical-significance assessments for this variant to ClinVar. Based on the evidence outlined above, the variant was classified as uncertain significance.